The following is an entry in ClinVar:

ClinVar aggregate classification (germline): Benign/Likely benign. Review status: criteria provided, multiple submitters, no conflicts (2 of 4 stars). 5 submissions from 5 submitters: Benign (1); Likely benign (4). Last evaluated 2026-03-01.

Conditions:
Treacher Collins syndrome 1 (TCS1). Also called: TCOF1-Related Treacher Collins Syndrome. Identifiers: Orphanet 861, MedGen CN315775, MONDO:0007944, OMIM 154500.

Allele frequency attached by ClinVar (database versions not stated): ESP Exome Variant Server 0.00015; gnomAD exomes 0.00033 and 0.00053; ExAC 0.00036; gnomAD 0.00052 and 0.00053; 1000 Genomes Project 0.00060; 1000 Genomes Project 30x 0.00062; TOPMed 0.00085.

Submissions (5):

CeGaT Center for Human Genetics Tuebingen
Classification: Likely benign. Last evaluated: 2026-03-01. Review status: criteria provided, single submitter. Criteria: CeGaT Center For Human Genetics Tuebingen Variant Classification Criteria Version 2. Collection method: clinical testing. Allele origin: germline. Affected: yes. Observed: 1 variant allele.
Comment: TCOF1: BP4, BS1

Labcorp Genetics (formerly Invitae), Labcorp
Classification: Benign for Treacher Collins syndrome 1. Last evaluated: 2025-11-03. Review status: criteria provided, single submitter. Criteria: Invitae Variant Classification Sherloc (09022015). Collection method: clinical testing. Allele origin: germline.

Blueprint Genetics
Classification: Likely benign. Last evaluated: 2024-11-17. Review status: criteria provided, single submitter. Criteria: ACMG Guidelines, 2015. Collection method: clinical testing. Allele origin: germline.

GeneDx
Classification: Likely benign. Last evaluated: 2021-01-08. Review status: criteria provided, single submitter. Criteria: GeneDx Variant Classification Process June 2021. Collection method: clinical testing. Allele origin: germline. Affected: yes.
Comment: This variant is associated with the following publications: (PMID: 28065470)

Eurofins Ntd Llc (ga)
Classification: Likely benign. Last evaluated: 2017-02-06. Review status: criteria provided, single submitter. Criteria: EGL Classification Definitions 2015. Collection method: clinical testing. Allele origin: germline. Observed: 1 variant allele, 1 heterozygote.

NM_001371623.1(TCOF1):c.503C>T (p.Thr168Met)

Gene: TCOF1 (treacle ribosome biogenesis factor 1; plus strand). Cytogenetic location: 5q32.
Variant type: single nucleotide variant.
Coding change: c.503C>T on transcript NM_001371623.1 (MANE Select); coding-DNA position 503, C replaced by T.
Protein change: p.Thr168Met; replaces threonine 168 with methionine.
Molecular consequence: missense variant.
Genome position (GRCh38, 1-based): chr5:150,368,840, C>T. VCF-style: chr5-150368840-C-T. GRCh37 (hg19) VCF-style: chr5-149748403-C-T.
Other names: c.503C>T, p.Thr168Met (NM_000356.4, NM_001008657.3, NM_001135243.2 and 3 more transcripts); short protein forms T168M.
Identifiers: ClinVar variation 500054 (VCV000500054.22), dbSNP rs181203524, ClinGen allele CA3510573.